The following is an entry in ClinVar:

ClinVar aggregate classification (germline): Uncertain significance (1 of 4 stars; one submission).

Submission:

Labcorp Genetics (formerly Invitae), Labcorp
Classification: Uncertain significance. Last evaluated: 2025-11-04. Review status: criteria provided, single submitter. Criteria: Invitae Variant Classification Sherloc (09022015). Collection method: clinical testing. Allele origin: germline.
Comment: This sequence change replaces proline, which is neutral and non-polar, with leucine, which is neutral and non-polar, at codon 3 of the MMP14 protein (p.Pro3Leu). This variant is present in population databases (rs547719073, gnomAD 0.1%), and has an allele count higher than expected for a pathogenic variant. This variant has not been reported in the literature in individuals affected with MMP14-related conditions. An algorithm developed to predict the effect of missense changes on protein structure and function outputs the following: PolyPhen-2: "Not Available". The leucine amino acid residue is found in multiple mammalian species, which suggests that this missense change does not adversely affect protein function. In summary, the available evidence is currently insufficient to determine the role of this variant in disease. Therefore, it has been classified as a Variant of Uncertain Significance.

NM_004995.4(MMP14):c.8C>T (p.Pro3Leu)

Gene: MMP14 (matrix metallopeptidase 14; plus strand). Cytogenetic location: 14q11.2.
Variant type: single nucleotide variant.
Coding change: c.8C>T on transcript NM_004995.4 (MANE Select); coding-DNA position 8, C replaced by T.
Protein change: p.Pro3Leu; replaces proline 3 with leucine.
Molecular consequence: missense variant.
Genome position (GRCh38, 1-based): chr14:22,836,825, C>T. VCF-style: chr14-22836825-C-T. GRCh37 (hg19) VCF-style: chr14-23306034-C-T.
Other names: short protein forms P3L.
Identifiers: ClinVar variation 4753473 (VCV004753473.1).